The following is an entry in ClinVar:

ClinVar aggregate classification (germline): Uncertain significance (1 of 4 stars; one submission).

Conditions:
Congenital myasthenic syndrome 8. Also called: Myasthenic syndrome, congenital, 8, with pre- and postsynaptic defects; MYASTHENIC SYNDROME, CONGENITAL, DUE TO AGRIN DEFICIENCY. Identifiers: Orphanet 590, MedGen C3808739, MONDO:0014052, OMIM 615120.

gnomAD v4.1: 1 of 1,613,370 alleles (0.000062%); highest among the groups gnomAD compares: South Asian, 0.0011%; no homozygotes.

Submission:

Labcorp Genetics (formerly Invitae), Labcorp
Classification: Uncertain significance for Congenital myasthenic syndrome 8. Last evaluated: 2022-06-20. Review status: criteria provided, single submitter. Criteria: Invitae Variant Classification Sherloc (09022015). Collection method: clinical testing. Allele origin: germline.
Comment: In summary, the available evidence is currently insufficient to determine the role of this variant in disease. Therefore, it has been classified as a Variant of Uncertain Significance. Algorithms developed to predict the effect of missense changes on protein structure and function are either unavailable or do not agree on the potential impact of this missense change (SIFT: "Tolerated"; PolyPhen-2: "Possibly Damaging"; Align-GVGD: "Class C0"). This variant has not been reported in the literature in individuals affected with AGRN-related conditions. This variant is not present in population databases (gnomAD no frequency). This sequence change replaces alanine, which is neutral and non-polar, with valine, which is neutral and non-polar, at codon 127 of the AGRN protein (p.Ala127Val).

NM_198576.4(AGRN):c.380C>T (p.Ala127Val)

Genes: AGRN (agrin; plus strand), LOC126805576 (P300/CBP strongly-dependent group 1 enhancer GRCh37_chr1:956772-957971; plus strand). Cytogenetic location: 1p36.33.
Variant type: single nucleotide variant.
Coding change: c.380C>T on transcript NM_198576.4 (MANE Select); coding-DNA position 380, C replaced by T.
Protein change: p.Ala127Val; replaces alanine 127 with valine.
Molecular consequence: missense variant.
Genome position (GRCh38, 1-based): chr1:1,022,379, C>T. VCF-style: chr1-1022379-C-T. GRCh37 (hg19) VCF-style: chr1-957759-C-T.
Other names: c.380C>T, p.Ala127Val (NM_001305275.2); short protein forms A127V.
Identifiers: ClinVar variation 1436716 (VCV001436716.8), dbSNP rs755949709, ClinGen allele CA337813385.
Genomic context (GRCh38, chr1:1,022,379, plus strand): 5'-TGTCCACTGGGGACACCAGGATCTTCTTTGTGAACCCTGCACCCCCATACCTGTGGCCAG[C>T]CCACAAGAACGAGCTGATGCTCAACTCCAGCCTCATGCGGATCACCCTGCGGAACCTGGA-3'
Protein context (NP_940978.2, residues 117-137): VNPAPPYLWP[Ala127Val]HKNELMLNSS